The following is an entry in ClinVar:

NM_000138.5(FBN1):c.989-1G>A

Genes: FBN1 (fibrillin 1; minus strand), LOC113939944 (Sharpr-MPRA regulatory region 9539; plus strand). Cytogenetic location: 15q21.1.
Variant type: single nucleotide variant.
Coding change: c.989-1G>A on transcript NM_000138.5 (MANE Select); the canonical splice acceptor site of the intron before coding-DNA position 989, G replaced by A.
Molecular consequence: splice acceptor variant.
Genome position (GRCh38, 1-based): chr15:48,520,818, C>T on the plus strand (G>A on the coding strand, the complement: FBN1 is on the minus strand). VCF-style: chr15-48520818-C-T. GRCh37 (hg19) VCF-style: chr15-48813015-C-T.
Other names: c.989-1G>A (NM_001406716.1).
Identifiers: ClinVar variation 3763458 (VCV003763458.2).
Genomic context (GRCh38, chr15:48,520,818, plus strand): 5'-GCAGCTGGTTAGAGCAGCGCCCGTTTGTCAGAGCTGTGTAACAGTATCCTGGGCGAACAT[C>T]TGAGGACAAAGAAACACATACACACACACACATCGCTGAGATAATACTTGTAACAACACT-3'

ClinVar aggregate classification (germline): Pathogenic (1 of 4 stars; one submission).

Conditions:
Marfan syndrome (MFS). Also called: MARFAN SYNDROME, TYPE I; Marfan syndrome type 1; Marfan's syndrome; Marfan syndrome, classic; FBN1-Related Marfan Syndrome. Identifiers: Orphanet 284963, Orphanet 558, MedGen C0024796, MONDO:0007947, OMIM 154700.
Familial thoracic aortic aneurysm and aortic dissection (TAAD). Also called: Thoracic aortic aneurysms and dissections. Identifiers: Orphanet 91387, MedGen C4707243, MONDO:0019625.

Submission:

Labcorp Genetics (formerly Invitae), Labcorp
Classification: Pathogenic for Marfan syndrome; Familial thoracic aortic aneurysm and aortic dissection. Last evaluated: 2025-12-07. Review status: criteria provided, single submitter. Criteria: Invitae Variant Classification Sherloc (09022015). Collection method: clinical testing. Allele origin: germline.
Comment: This sequence change affects an acceptor splice site in intron 9 of the FBN1 gene. It is expected to disrupt RNA splicing. Variants that disrupt the donor or acceptor splice site typically lead to a loss of protein function (PMID: 16199547), and loss-of-function variants in FBN1 are known to be pathogenic (PMID: 17657824, 19293843). This variant is not present in population databases (gnomAD no frequency). Disruption of this splice site has been observed in individuals with clinical features of Marfan syndrome (PMID: 15241795; internal data). ClinVar contains an entry for this variant (Variation ID: 3763458). Algorithms developed to predict the effect of sequence changes on RNA splicing suggest that this variant may disrupt the consensus splice site. For these reasons, this variant has been classified as Pathogenic.

Literature cited by the submitters: PubMed 16199547; PubMed 17657824; PubMed 19293843; PubMed 15241795.